The following is an entry in ClinVar:

NM_024408.4(NOTCH2):c.3224A>C (p.Lys1075Thr)

Gene: NOTCH2 (notch receptor 2; minus strand). Cytogenetic location: 1p12.
Variant type: single nucleotide variant.
Coding change: c.3224A>C on transcript NM_024408.4 (MANE Select); coding-DNA position 3224, A replaced by C.
Protein change: p.Lys1075Thr; replaces lysine 1075 with threonine.
Molecular consequence: missense variant.
Genome position (GRCh38, 1-based): chr1:119,937,970, T>G on the plus strand (A>C on the coding strand, the complement: NOTCH2 is on the minus strand). VCF-style: chr1-119937970-T-G. GRCh37 (hg19) VCF-style: chr1-120480593-T-G.
Other names: c.3224A>C, p.Lys1075Thr (NM_001200001.2); short protein forms K1075T.
Identifiers: ClinVar variation 1380308 (VCV001380308.6), dbSNP rs2101100097, ClinGen allele CA341852941.

ClinVar aggregate classification (germline): Uncertain significance (1 of 4 stars; one submission).

Conditions:
Hajdu-Cheney syndrome (HJCYS). Also called: SERPENTINE FIBULA-POLYCYSTIC KIDNEY SYNDROME; Acroosteolysis dominant type; ACROOSTEOLYSIS WITH OSTEOPOROSIS AND CHANGES IN SKULL AND MANDIBLE. Identifiers: Orphanet 955, MedGen C0917715, MONDO:0007057, OMIM 102500.

Allele frequency attached by ClinVar (database versions not stated): gnomAD exomes below 0.00001.
gnomAD v4.1: 1 of 1,614,218 alleles (0.000062%); highest among the groups gnomAD compares: Non-Finnish European, 0.000085%; no homozygotes.

Submission:

Labcorp Genetics (formerly Invitae), Labcorp
Classification: Uncertain significance for Hajdu-Cheney syndrome. Last evaluated: 2024-05-18. Review status: criteria provided, single submitter. Criteria: Invitae Variant Classification Sherloc (09022015). Collection method: clinical testing. Allele origin: germline.
Comment: This sequence change replaces lysine, which is basic and polar, with threonine, which is neutral and polar, at codon 1075 of the NOTCH2 protein (p.Lys1075Thr). This variant is not present in population databases (gnomAD no frequency). This variant has not been reported in the literature in individuals affected with NOTCH2-related conditions. ClinVar contains an entry for this variant (Variation ID: 1380308). Advanced modeling of protein sequence and biophysical properties (such as structural, functional, and spatial information, amino acid conservation, physicochemical variation, residue mobility, and thermodynamic stability) has been performed at Invitae for this missense variant, however the output from this modeling did not meet the statistical confidence thresholds required to predict the impact of this variant on NOTCH2 protein function. In summary, the available evidence is currently insufficient to determine the role of this variant in disease. Therefore, it has been classified as a Variant of Uncertain Significance.